The following is an entry in ClinVar:

NM_000297.4(PKD2):c.1130G>A (p.Ser377Asn)

Gene: PKD2 (polycystin 2, transient receptor potential cation channel; plus strand). Cytogenetic location: 4q22.1.
Variant type: single nucleotide variant.
Coding change: c.1130G>A on transcript NM_000297.4 (MANE Select); coding-DNA position 1130, G replaced by A.
Protein change: p.Ser377Asn; replaces serine 377 with asparagine.
Molecular consequence: missense variant. On other transcripts: non-coding transcript variant (1).
Genome position (GRCh38, 1-based): chr4:88,043,268, G>A. VCF-style: chr4-88043268-G-A. GRCh37 (hg19) VCF-style: chr4-88964420-G-A.
Other names: c.1130G>A (NM_000297.3); short protein forms S377N.
Identifiers: ClinVar variation 1934320 (VCV001934320.7), dbSNP rs773373160, ClinGen allele CA3003896.

ClinVar aggregate classification (germline): Uncertain significance. Review status: criteria provided, multiple submitters, no conflicts (2 of 4 stars). 3 submissions from 3 submitters: Uncertain significance (3). Last evaluated 2025-04-17.

Conditions:
Polycystic kidney disease 2 (PKD2). Also called: POLYCYSTIC KIDNEY DISEASE, ADULT, TYPE II; POLYCYSTIC KIDNEY DISEASE 2 WITH OR WITHOUT POLYCYSTIC LIVER DISEASE; Polycystic Kidney Disease 2, Autosomal Dominant. Identifiers: MedGen C2751306, MONDO:0013131, OMIM 613095.
Autosomal dominant polycystic kidney disease. Identifiers: Orphanet 730, MedGen C0085413, MONDO:0004691.
Inborn genetic diseases. Identifiers: MedGen C0950123, MeSH D030342.

Allele frequency attached by ClinVar (database versions not stated): gnomAD exomes below 0.00001; gnomAD 0.00001; TOPMed 0.00001; ExAC 0.00002.
gnomAD v4.1: 5 of 1,612,646 alleles (0.00031%); highest among the groups gnomAD compares: Admixed American, 0.005%; no homozygotes.

Submissions (3):

Ambry Genetics
Classification: Uncertain significance for Inborn genetic diseases. Last evaluated: 2025-04-17. Review status: criteria provided, single submitter. Criteria: Ambry Variant Classification Scheme 2023. Collection method: clinical testing. Allele origin: germline.

Fulgent Genetics
Classification: Uncertain significance for Polycystic kidney disease 2. Last evaluated: 2024-01-16. Review status: criteria provided, single submitter. Criteria: ACMG Guidelines, 2015. Collection method: clinical testing. Allele origin: germline.

Labcorp Genetics (formerly Invitae), Labcorp
Classification: Uncertain significance for Autosomal dominant polycystic kidney disease. Last evaluated: 2022-08-01. Review status: criteria provided, single submitter. Criteria: Invitae Variant Classification Sherloc (09022015). Collection method: clinical testing. Allele origin: germline.
Comment: In summary, the available evidence is currently insufficient to determine the role of this variant in disease. Therefore, it has been classified as a Variant of Uncertain Significance. Algorithms developed to predict the effect of missense changes on protein structure and function are either unavailable or do not agree on the potential impact of this missense change (SIFT: "Tolerated"; PolyPhen-2: "Possibly Damaging"; Align-GVGD: "Class C0"). This variant has not been reported in the literature in individuals affected with PKD2-related conditions. This variant is present in population databases (rs773373160, gnomAD 0.003%). This sequence change replaces serine, which is neutral and polar, with asparagine, which is neutral and polar, at codon 377 of the PKD2 protein (p.Ser377Asn).